The following is an entry in ClinVar:

ClinVar aggregate classification (germline): Uncertain significance. Review status: criteria provided, multiple submitters, no conflicts (2 of 4 stars). 3 submissions from 3 submitters: Uncertain significance (3). Last evaluated 2025-07-06.

Conditions:
Charcot-Marie-Tooth disease type 2. Also called: Charcot-Marie-Tooth type 2. Identifiers: Orphanet 64746, MedGen C0270914, MONDO:0018993.
Developmental and epileptic encephalopathy, 29 (DEE29). Also called: Epileptic encephalopathy, early infantile, 29. Identifiers: Orphanet 442835, MedGen C4225361, MONDO:0014593, OMIM 616339.

Allele frequency attached by ClinVar (database versions not stated): TOPMed below 0.00001; gnomAD 0.00001; gnomAD exomes below 0.00001.
gnomAD v4.1: 4 of 1,614,032 alleles (0.00025%); highest among the groups gnomAD compares: African/African-American, 0.0027%; no homozygotes.

Submissions (3):

Labcorp Genetics (formerly Invitae), Labcorp
Classification: Uncertain significance for Charcot-Marie-Tooth disease type 2. Last evaluated: 2025-07-06. Review status: criteria provided, single submitter. Criteria: Invitae Variant Classification Sherloc (09022015). Collection method: clinical testing. Allele origin: germline.
Comment: This sequence change replaces arginine, which is basic and polar, with glutamine, which is neutral and polar, at codon 296 of the AARS protein (p.Arg296Gln). This variant is present in population databases (no rsID available, gnomAD 0.007%). This variant has not been reported in the literature in individuals affected with AARS-related conditions. ClinVar contains an entry for this variant (Variation ID: 2573065). Invitae Evidence Modeling of protein sequence and biophysical properties (such as structural, functional, and spatial information, amino acid conservation, physicochemical variation, residue mobility, and thermodynamic stability) has been performed for this missense variant. However, the output from this modeling did not meet the statistical confidence thresholds required to predict the impact of this variant on AARS protein function. In summary, the available evidence is currently insufficient to determine the role of this variant in disease. Therefore, it has been classified as a Variant of Uncertain Significance.

Mayo Clinic Laboratories, Mayo Clinic
Classification: Uncertain significance. Last evaluated: 2024-08-12. Review status: criteria provided, single submitter. Criteria: ACMG Guidelines, 2015. Collection method: clinical testing. Allele origin: germline. Observed: 1 variant allele.
Comment: PP3

MVZ Martinsried, Medicover Genetics
Classification: Uncertain significance for Developmental and epileptic encephalopathy, 29. Last evaluated: 2023-04-24. Review status: criteria provided, single submitter. Criteria: ACGS Guidelines, 2020. Collection method: clinical testing. Allele origin: inherited. Affected: yes. Observed: 2 compound heterozygotes.

NM_001605.3(AARS1):c.887G>A (p.Arg296Gln)

Gene: AARS1 (alanyl-tRNA synthetase 1; minus strand). Cytogenetic location: 16q22.1.
Variant type: single nucleotide variant.
Coding change: c.887G>A on transcript NM_001605.3 (MANE Select); coding-DNA position 887, G replaced by A.
Protein change: p.Arg296Gln; replaces arginine 296 with glutamine.
Molecular consequence: missense variant.
Genome position (GRCh38, 1-based): chr16:70,269,693, C>T on the plus strand (G>A on the coding strand, the complement: AARS1 is on the minus strand). VCF-style: chr16-70269693-C-T. GRCh37 (hg19) VCF-style: chr16-70303596-C-T.
Other names: p.Arg296Gln; short protein forms R296Q.
Identifiers: ClinVar variation 2573065 (VCV002573065.5), dbSNP rs1375611364, ClinGen allele CA396564683.
Genomic context (GRCh38, chr16:70,269,693, plus strand): 5'-TCAGGCCGGCCACCATCAGCCAGTGCCACAGTGATGGTCCGAGCGTGGTCAGCCAGCACC[C>T]GGTAGGCCATGTCAATCCCATCGGCATCCTCAGCACCAACTTTCCCAGTGTATGGTCGGG-3'
Protein context (NP_001596.2, residues 286-306): EDADGIDMAY[Arg296Gln]VLADHARTIT